The following is an entry in ClinVar:

ClinVar aggregate classification (germline): Uncertain significance (1 of 4 stars; one submission).

Conditions:
Hereditary cancer-predisposing syndrome. Also called: Neoplastic Syndromes, Hereditary; Tumor predisposition; Hereditary neoplastic syndrome; Hereditary Cancer Syndrome. Identifiers: Orphanet 140162, MedGen C0027672, MeSH D009386, MONDO:0015356.

gnomAD v4.1: 1 of 1,613,830 alleles (0.000062%); highest among the groups gnomAD compares: Non-Finnish European, 0.000085%; no homozygotes.

Submission:

Ambry Genetics
Classification: Uncertain significance for Hereditary cancer-predisposing syndrome. Last evaluated: 2026-07-06. Review status: criteria provided, single submitter. Criteria: Ambry Variant Classification Scheme 2023. Collection method: clinical testing. Allele origin: germline.
Comment: The p.V153I variant (also known as c.457G>A), located in coding exon 1 of the MEN1 gene, results from a G to A substitution at nucleotide position 457. The valine at codon 153 is replaced by isoleucine, an amino acid with highly similar properties. This amino acid position is conserved. In addition, this alteration is predicted to be tolerated by in silico analysis. Based on the available evidence, the clinical significance of this variant remains unclear.

NM_001370259.2(MEN1):c.445+12G>A

Gene: MEN1 (menin 1; minus strand). Cytogenetic location: 11q13.1.
Variant type: single nucleotide variant.
Coding change: c.445+12G>A on transcript NM_001370259.2 (MANE Select); 12 bases into the intron after coding-DNA position 445, G replaced by A.
Molecular consequence: intron variant. On other transcripts: missense variant (8), non-coding transcript variant (2).
Genome position (GRCh38, 1-based): chr11:64,809,653, C>T on the plus strand (G>A on the coding strand, the complement: MEN1 is on the minus strand). VCF-style: chr11-64809653-C-T. GRCh37 (hg19) VCF-style: chr11-64577125-C-T.
Other names: c.457G>A, p.Val153Ile (NM_130803.3, NM_130804.3, NM_000244.4 and 5 more transcripts); c.445+12G>A (NM_001407148.1, NM_130799.3, NM_001407144.1 and 12 more transcripts); short protein forms V153I.
Identifiers: ClinVar variation 5024293 (VCV005024293.1).
Genomic context (GRCh38, chr11:64,809,653, plus strand): 5'-AGGGTTCTGTAAACCATGGAGGGTTTTGAAGAAGTGGGTCATGGATAAGATTCCCACCTA[C>T]TGGGCTCCAACCTGTGATGAAGCTGAAGAGGGACTGGATGTGGGCCCGATCCTTGAAGTA-3'